The following is an entry in ClinVar:

NM_001386795.1(DTNA):c.1886A>G (p.Gln629Arg)

Gene: DTNA (dystrobrevin alpha; plus strand). Cytogenetic location: 18q12.1.
Variant type: single nucleotide variant.
Coding change: c.1886A>G on transcript NM_001386795.1 (MANE Select); coding-DNA position 1886, A replaced by G.
Protein change: p.Gln629Arg; replaces glutamine 629 with arginine.
Molecular consequence: missense variant.
Genome position (GRCh38, 1-based): chr18:34,875,381, A>G. VCF-style: chr18-34875381-A-G. GRCh37 (hg19) VCF-style: chr18-32455345-A-G.
Other names: c.1715A>G, p.Gln572Arg (NM_001386759.1, NM_001386754.1, NM_001386755.1 and 3 more transcripts); c.1712A>G, p.Gln571Arg (NM_001386760.1); c.1634A>G, p.Gln545Arg (NM_001386761.1, NM_032975.4); c.1631A>G, p.Gln544Arg (NM_001386762.1); c.1625A>G, p.Gln542Arg (NM_001386763.1, NM_001386764.1, NM_001386765.1 and 5 more transcripts); c.1622A>G, p.Gln541Arg (NM_001386768.1, NM_001386769.1); c.1646A>G, p.Gln549Arg (NM_001198939.2); c.932A>G, p.Gln311Arg (NM_001198942.1); and 5 more; short protein forms Q292R, Q571R, Q602R, Q629R, Q250R, Q544R, Q549R, Q254R.
Identifiers: ClinVar variation 2989183 (VCV002989183.3), dbSNP rs199596768, ClinGen allele CA297799727.

ClinVar aggregate classification (germline): Uncertain significance (1 of 4 stars; one submission).

Conditions:
Left ventricular noncompaction 1 (LVNC1). Also called: LEFT VENTRICULAR NONCOMPACTION 1 WITH OR WITHOUT CONGENITAL HEART DEFECTS. Identifiers: Orphanet 54260, MedGen C1858725, MONDO:0011403, OMIM 604169.

Allele frequency attached by ClinVar (database versions not stated): gnomAD exomes below 0.00001; 1000 Genomes Project 0.00020; TOPMed 0.00001; gnomAD 0.00003; 1000 Genomes Project 30x 0.00031.
gnomAD v4.1: 8 of 1,614,190 alleles (0.0005%); highest among the groups gnomAD compares: African/African-American, 0.0067%; no homozygotes.

Submission:

Labcorp Genetics (formerly Invitae), Labcorp
Classification: Uncertain significance for Left ventricular noncompaction 1. Last evaluated: 2025-09-28. Review status: criteria provided, single submitter. Criteria: Invitae Variant Classification Sherloc (09022015). Collection method: clinical testing. Allele origin: germline.
Comment: This sequence change replaces glutamine, which is neutral and polar, with arginine, which is basic and polar, at codon 602 of the DTNA protein (p.Gln602Arg). This variant is present in population databases (rs199596768, gnomAD 0.004%). This variant has not been reported in the literature in individuals affected with DTNA-related conditions. ClinVar contains an entry for this variant (Variation ID: 2989183). An algorithm developed to predict the effect of missense changes on protein structure and function (PolyPhen-2) suggests that this variant is likely to be tolerated. In summary, the available evidence is currently insufficient to determine the role of this variant in disease. Therefore, it has been classified as a Variant of Uncertain Significance.